The following is an entry in ClinVar:

NM_005751.5(AKAP9):c.5875T>G (p.Leu1959Val)

Gene: AKAP9 (A-kinase anchoring protein 9; plus strand). Cytogenetic location: 7q21.2.
Variant type: single nucleotide variant.
Coding change: c.5875T>G on transcript NM_005751.5 (MANE Select); coding-DNA position 5875, T replaced by G.
Protein change: p.Leu1959Val; replaces leucine 1959 with valine.
Molecular consequence: missense variant.
Genome position (GRCh38, 1-based): chr7:92,062,384, T>G. VCF-style: chr7-92062384-T-G. GRCh37 (hg19) VCF-style: chr7-91691698-T-G.
Other names: c.520T>G, p.Leu174Val (NM_001379277.1); c.5875T>G, p.Leu1959Val (NM_147185.3); short protein forms L174V, L1959V.
Identifiers: ClinVar variation 4868935 (VCV004868935.1).
Genomic context (GRCh38, chr7:92,062,384, plus strand): 5'-CAGGAAAAAACTGATATAATAGATCGTCTTGAGCAGGAGTTGTTATGTGCAAGTAACAGG[T>G]TGCAAGAATTGGAGGCAGAGCAACAGCAGATCCAAGAAGAAAGAGAATTACTGTCCAGAC-3'
Protein context (NP_005742.4, residues 1949-1969): EQELLCASNR[Leu1959Val]QELEAEQQQI

ClinVar aggregate classification (germline): Uncertain significance (1 of 4 stars; one submission).

Conditions:
Cardiovascular phenotype. Identifiers: MedGen CN230736.

gnomAD v4.1: 3 of 1,613,712 alleles (0.00019%); highest among the groups gnomAD compares: African/African-American, 0.004%; no homozygotes.

Submission:

Ambry Genetics
Classification: Uncertain significance for Cardiovascular phenotype. Last evaluated: 2026-04-11. Review status: criteria provided, single submitter. Criteria: Ambry Variant Classification Scheme 2023. Collection method: clinical testing. Allele origin: germline.
Comment: The p.L1959V variant (also known as c.5875T>G), located in coding exon 24 of the AKAP9 gene, results from a T to G substitution at nucleotide position 5875. The leucine at codon 1959 is replaced by valine, an amino acid with highly similar properties. This amino acid position is conserved. In addition, this alteration is predicted to be tolerated by in silico analysis. Based on the available evidence, the clinical significance of this variant remains unclear.